The following is an entry in ClinVar:

ClinVar aggregate classification (germline): Benign/Likely benign. Review status: criteria provided, multiple submitters, no conflicts (2 of 4 stars). 2 submissions from 2 submitters: Benign (1); Likely benign (1). Last evaluated 2025-02-07.

Conditions:
Colorectal cancer, susceptibility to, 12 (CRCS12). Also called: COLORECTAL CANCER, SUSCEPTIBILITY TO, ON CHROMOSOME 12q24. Identifiers: Orphanet 220460, MedGen C3554460, MONDO:0014038, OMIM 615083.

gnomAD v4.1: 1 of 1,613,936 alleles (0.000062%); no homozygotes.

Submissions (2):

Myriad Genetics, Inc.
Classification: Benign for Colorectal cancer, susceptibility to, 12. Last evaluated: 2025-02-07. Review status: criteria provided, single submitter. Criteria: Myriad Autosomal Dominant, Autosomal Recessive and X-Linked Classification Criteria (2023). Collection method: clinical testing. Allele origin: unknown.
Comment: This variant is considered benign. This variant is a silent/synonymous amino acid change and it is not expected to impact splicing.

Labcorp Genetics (formerly Invitae), Labcorp
Classification: Likely benign. Last evaluated: 2017-04-28. Review status: criteria provided, single submitter. Criteria: Invitae Variant Classification Sherloc (09022015). Collection method: clinical testing. Allele origin: germline.

NM_006231.4(POLE):c.846C>G (p.Pro282=)

Gene: POLE (DNA polymerase epsilon, catalytic subunit; minus strand). Cytogenetic location: 12q24.33.
Variant type: single nucleotide variant.
Coding change: c.846C>G on transcript NM_006231.4 (MANE Select); coding-DNA position 846, C replaced by G.
Protein change: p.Pro282=; no amino-acid change (proline 282 retained).
Molecular consequence: synonymous variant.
Genome position (GRCh38, 1-based): chr12:132,676,609, G>C on the plus strand (C>G on the coding strand, the complement: POLE is on the minus strand). VCF-style: chr12-132676609-G-C. GRCh37 (hg19) VCF-style: chr12-133253195-G-C.
Identifiers: ClinVar variation 473835 (VCV000473835.9), dbSNP rs5744758, ClinGen allele CA482723595.
Genomic context (GRCh38, chr12:132,676,609, plus strand): 5'-GCCATCGATCATGTAGGAAATCATCATAATCTGGTCTGTCTCAGCATCAGGAAACTTGAG[G>C]GGCAGTTTGGTCGTCTCAATGTCAAATGCCAAAACCACAGGGTCCTGTGGGGACAAAATA-3'
Protein context (NP_006222.2, residues 272-292): LAFDIETTKL[Pro282=]LKFPDAETDQ